The following is an entry in ClinVar:

NM_020937.4(FANCM):c.181G>A (p.Ala61Thr)

Gene: FANCM (FA complementation group M; plus strand). Cytogenetic location: 14q21.2.
Variant type: single nucleotide variant.
Coding change: c.181G>A on transcript NM_020937.4 (MANE Select); coding-DNA position 181, G replaced by A.
Protein change: p.Ala61Thr; replaces alanine 61 with threonine.
Molecular consequence: missense variant.
Genome position (GRCh38, 1-based): chr14:45,136,212, G>A. VCF-style: chr14-45136212-G-A. GRCh37 (hg19) VCF-style: chr14-45605415-G-A.
Other names: c.181G>A, p.Ala61Thr (NM_001308133.2, NM_001308134.2); short protein forms A61T.
Identifiers: ClinVar variation 3668766 (VCV003668766.2).

ClinVar aggregate classification (germline): Uncertain significance (1 of 4 stars; one submission).

Conditions:
Fanconi anemia (FA). Also called: Fanconi's anemia. Identifiers: Orphanet 84, MedGen C0015625, MeSH D005199, MONDO:0019391.

gnomAD v4.1: 4 of 1,614,176 alleles (0.00025%); highest among the groups gnomAD compares: Non-Finnish European, 0.00025%; no homozygotes.

Submission:

Labcorp Genetics (formerly Invitae), Labcorp
Classification: Uncertain significance for Fanconi anemia. Last evaluated: 2024-04-27. Review status: criteria provided, single submitter. Criteria: Invitae Variant Classification Sherloc (09022015). Collection method: clinical testing. Allele origin: germline.
Comment: This sequence change replaces alanine, which is neutral and non-polar, with threonine, which is neutral and polar, at codon 61 of the FANCM protein (p.Ala61Thr). This variant is not present in population databases (gnomAD no frequency). This variant has not been reported in the literature in individuals affected with FANCM-related conditions. An algorithm developed to predict the effect of missense changes on protein structure and function (PolyPhen-2) suggests that this variant is likely to be tolerated. In summary, the available evidence is currently insufficient to determine the role of this variant in disease. Therefore, it has been classified as a Variant of Uncertain Significance.